The following is an entry in ClinVar:

ClinVar aggregate classification (germline): Uncertain significance (1 of 4 stars; one submission).

Conditions:
Primary ciliary dyskinesia. Also called: Ciliary dyskinesia. Identifiers: Orphanet 244, MedGen C0008780, MONDO:0016575, HP:0012265.

Submission:

Labcorp Genetics (formerly Invitae), Labcorp
Classification: Uncertain significance for Primary ciliary dyskinesia. Last evaluated: 2023-10-06. Review status: criteria provided, single submitter. Criteria: Invitae Variant Classification Sherloc (09022015). Collection method: clinical testing. Allele origin: germline.
Comment: This variant, c.2520_2561dup, results in the insertion of 14 amino acid(s) of the RPGR (ORF15) protein (p.Glu843_Gly856dup), but otherwise preserves the integrity of the reading frame. This variant is not present in population databases (gnomAD no frequency). This variant has not been reported in the literature in individuals affected with RPGR (ORF15)-related conditions. Experimental studies and prediction algorithms are not available or were not evaluated, and the functional significance of this variant is currently unknown. In summary, the available evidence is currently insufficient to determine the role of this variant in disease. Therefore, it has been classified as a Variant of Uncertain Significance.

NM_001034853.2(RPGR):c.2520GGAGGGGGAAGAGGAGGAAGG[4] (p.Gly856_Lys857insGluGluGluGluGlyGluGlyGluGluGluGluGlyGluGly)

Gene: RPGR (retinitis pigmentosa GTPase regulator; minus strand). Cytogenetic location: Xp11.4.
Variant type: Microsatellite.
Coding change: c.2520GGAGGGGGAAGAGGAGGAAGG[4] on transcript NM_001034853.2 (MANE Select); four copies in a row of the 21-base unit GGAGGGGGAAGAGGAGGAAGG starting at c.2520; the reference has two copies in a row; two copies, 42 bases duplicated.
Protein change: p.Gly856_Lys857insGluGluGluGluGlyGluGlyGluGluGluGluGlyGluGly.
Molecular consequence: inframe insertion. On other transcripts: intron variant (8).
Genome position (GRCh38, 1-based): chrX:38,286,438-38,286,479, 42 bases duplicated; duplicating any 42 consecutive bases within chrX:38,286,438-38,286,499 gives the same sequence; the position shown is the placement nearest the transcript's 3' end. GRCh37 (hg19), VCF-style position (the base before the change): chrX:38,145,690.
Other names: c.1569+4480GGAGGGGGAAGAGGAGGAAGG[4] (NM_001367249.1, NM_001367250.1); c.1902+615GGAGGGGGAAGAGGAGGAAGG[4] (NM_001367245.1); c.1386+4480GGAGGGGGAAGAGGAGGAAGG[4] (NM_001367251.1); c.1719+615GGAGGGGGAAGAGGAGGAAGG[4] (NM_001367246.1); c.1572+4480GGAGGGGGAAGAGGAGGAAGG[4] (NM_001367247.1); c.1905+615GGAGGGGGAAGAGGAGGAAGG[4] (NM_000328.3); c.1602+4480GGAGGGGGAAGAGGAGGAAGG[4] (NM_001367248.1).
Identifiers: ClinVar variation 2808011 (VCV002808011.3), dbSNP rs751710678, ClinGen allele CA2739273388.